The following is an entry in ClinVar:

ClinVar aggregate classification (germline): Uncertain significance (1 of 4 stars; one submission).

Conditions:
LRRC45-related disorder. Also called: LRRC45-related condition.

gnomAD v4.1: 1 of 1,612,632 alleles (0.000062%); highest among the groups gnomAD compares: African/African-American, 0.0013%; no homozygotes.

Submission:

PreventionGenetics, part of Exact Sciences
Classification: Uncertain significance for LRRC45-related condition. Last evaluated: 2025-09-17. Review status: criteria provided, single submitter. Criteria: ACMG Guidelines, 2015. Collection method: clinical testing. Allele origin: germline.
Comment: The LRRC45 c.778C>G variant is predicted to result in the amino acid substitution p.Leu260Val. To our knowledge, this variant has not been reported in the literature or in a large population database (gnomAD), indicating this variant is rare. At this time, the clinical significance of this variant is uncertain due to the absence of conclusive functional and genetic evidence.

NM_144999.4(LRRC45):c.778C>G (p.Leu260Val)

Gene: LRRC45 (leucine rich repeat containing 45; plus strand). Cytogenetic location: 17q25.3.
Variant type: single nucleotide variant.
Coding change: c.778C>G on transcript NM_144999.4 (MANE Select); coding-DNA position 778, C replaced by G.
Protein change: p.Leu260Val; replaces leucine 260 with valine.
Molecular consequence: missense variant.
Genome position (GRCh38, 1-based): chr17:82,027,389, C>G. VCF-style: chr17-82027389-C-G. GRCh37 (hg19) VCF-style: chr17-79985265-C-G.
Other names: short protein forms L260V.
Identifiers: ClinVar variation 4996237 (VCV004996237.1).
Genomic context (GRCh38, chr17:82,027,389, plus strand): 5'-GGTCAGGTGGACAGGCTGCAGGTGCCCTGACAGGGCTGCGGCTGTCTCTGTCCCCAGTTC[C>G]TCGACTTGATGGAGACTATTGATAAGCAGCGAGAAGAGATGGCCAAGAGCAGCAGGTGAG-3'
Protein context (NP_659436.1, residues 250-270): HLREEKSKQF[Leu260Val]DLMETIDKQR